The following is an entry in ClinVar:

NM_003227.4(TFR2):c.1044_1062dup (p.Pro355fs)

Gene: TFR2 (transferrin receptor 2; minus strand). Cytogenetic location: 7q22.1.
Variant type: Duplication.
Coding change: c.1044_1062dup on transcript NM_003227.4 (MANE Select); coding-DNA positions 1044 to 1062, 19 bases duplicated (ATCAGGCCTTCCCAGCATC).
Protein change: p.Pro355fs; shifts the reading frame from proline 355.
Molecular consequence: frameshift variant.
Genome position (GRCh38, 1-based): chr7:100,631,850-100,631,868, GATGCTGGGAAGGCCTGAT duplicated on the plus strand (ATCAGGCCTTCCCAGCATC on the coding strand, the reverse complement: TFR2 is on the minus strand); duplicating any 19 consecutive bases within chr7:100,631,850-100,631,873 gives the same sequence; the c. name uses the placement nearest the transcript's 3' end. VCF-style (leftmost placement, unchanged base first): chr7-100631849-G-GGATGCTGGGAAGGCCTGAT. GRCh37 (hg19) VCF-style: chr7-100229472-G-GGATGCTGGGAAGGCCTGAT.
Other names: c.531_549dup, p.Pro184fs (NM_001206855.3); short protein forms P184fs, P355fs.
Identifiers: ClinVar variation 4062206 (VCV004062206.2).

ClinVar aggregate classification (germline): Likely pathogenic (1 of 4 stars; one submission).

Conditions:
Hemochromatosis type 3 (HFE3). Also called: HEMOCHROMATOSIS DUE TO DEFECT IN TRANSFERRIN RECEPTOR 2; Hereditary hemochromatosis type 3; TFR2-Related Hemochromatosis. Identifiers: Orphanet 225123, MedGen C1858664, MONDO:0011417, OMIM 604250.

Submission:

Natera, Inc.
Classification: Likely pathogenic for Hereditary hemochromatosis type 3. Last evaluated: 2025-02-24. Review status: criteria provided, single submitter. Criteria: Natera Variant Classification Schema (03/2026). Collection method: clinical testing. Allele origin: germline.
Comment: The c.1044_1062dup variant in TFR2 is a frameshift variant predicted to shift the reading frame beginning at codon 355 and leads to a stop codon 94 codons downstream. This variant is expected to result in nonsense mediated decay, truncation, or a dysfunctional protein product. This variant is rare in the general population with a frequency below the threshold expected for the associated phenotype(s). Given the available evidence, this variant is classified as Likely Pathogenic.